The following is an entry in ClinVar:

NM_001282116.2(RFX3):c.209G>A (p.Gly70Glu)

Gene: RFX3 (regulatory factor X3; minus strand). Cytogenetic location: 9p24.2.
Variant type: single nucleotide variant.
Coding change: c.209G>A on transcript NM_001282116.2 (MANE Select); coding-DNA position 209, G replaced by A.
Protein change: p.Gly70Glu; replaces glycine 70 with glutamic acid.
Molecular consequence: missense variant.
Genome position (GRCh38, 1-based): chr9:3,346,673, C>T on the plus strand (G>A on the coding strand, the complement: RFX3 is on the minus strand). VCF-style: chr9-3346673-C-T. GRCh37 (hg19) VCF-style: chr9-3346673-C-T.
Other names: c.209G>A, p.Gly70Glu (NM_001282117.2, NM_001377999.1, NM_002919.4 and 1 more transcripts); short protein forms G70E.
Identifiers: ClinVar variation 3377938 (VCV003377938.1).

ClinVar aggregate classification (germline): Uncertain significance (1 of 4 stars; one submission).

Submission:

GeneDx
Classification: Uncertain significance. Last evaluated: 2024-05-16. Review status: criteria provided, single submitter. Criteria: GeneDx Variant Classification Process June 2021. Collection method: clinical testing. Allele origin: germline. Affected: yes.
Comment: Not observed at significant frequency in large population cohorts (gnomAD); In silico analysis supports that this missense variant has a deleterious effect on protein structure/function; Has not been previously published as pathogenic or benign to our knowledge